The following is an entry in ClinVar:

NM_000543.5(SMPD1):c.108_109insGCGCTGGCGCTGGCGCTGGCG (p.Val36_Leu37insAlaLeuAlaLeuAlaLeuAla)

Gene: SMPD1 (sphingomyelin phosphodiesterase 1; plus strand). Cytogenetic location: 11p15.4.
Variant type: Microsatellite.
Coding change: c.108_109insGCGCTGGCGCTGGCGCTGGCG on transcript NM_000543.5 (MANE Select); coding-DNA positions 108 to 109, GCGCTGGCGCTGGCGCTGGCG inserted.
Protein change: p.Val36_Leu37insAlaLeuAlaLeuAlaLeuAla.
Molecular consequence: inframe insertion. On other transcripts: 5 prime UTR variant (1), non-coding transcript variant (2).
Genome position: GRCh38 VCF-style: chr11-6390705-T-TGGCGCTGGCGCTGGCGCTGGC. GRCh37 (hg19) VCF-style: chr11-6411935-T-TGGCGCTGGCGCTGGCGCTGGC.
Other names: c.108_109insGCGCTGGCGCTGGCGCTGGCG, p.Val36_Leu37insAlaLeuAlaLeuAlaLeuAla (NM_001007593.3, NM_001318087.2, NM_001365135.2); c.-854GGCGCT[3]GGCG[1] (NM_001318088.2).
Identifiers: ClinVar variation 661392 (VCV000661392.10), dbSNP rs775568984.

ClinVar aggregate classification (germline): Uncertain significance. Review status: criteria provided, single submitter (1 of 4 stars). 2 submissions from 2 submitters: Uncertain significance (1). 1 of the submissions does not count toward it. Last evaluated 2022-10-03.

Conditions:
Niemann-Pick disease, type A. Also called: Infantile Neurovisceral ASMD (Niemann-Pick Disease Type A; NPD-A); SPHINGOMYELIN LIPIDOSIS; SPHINGOMYELINASE DEFICIENCY. Identifiers: Orphanet 77292, MedGen C0268242, MONDO:0009756, OMIM 257200. Disease mechanism: loss of function.
Niemann-Pick disease, type B. Also called: Chronic Visceral ASMD (Niemann-Pick Disease Type B; NPD-B). Identifiers: Orphanet 77293, MedGen C0268243, MONDO:0011871, OMIM 607616. Disease mechanism: loss of function.

Submissions (2):

Labcorp Genetics (formerly Invitae), Labcorp
Classification: Uncertain significance for Niemann-Pick disease, type B; Niemann-Pick disease, type A. Last evaluated: 2022-10-03. Review status: criteria provided, single submitter. Criteria: Invitae Variant Classification Sherloc (09022015). Collection method: clinical testing. Allele origin: germline.
Comment: In summary, the available evidence is currently insufficient to determine the role of this variant in disease. Therefore, it has been classified as a Variant of Uncertain Significance. Experimental studies and prediction algorithms are not available or were not evaluated, and the functional significance of this variant is currently unknown. ClinVar contains an entry for this variant (Variation ID: 661392). This variant has not been reported in the literature in individuals affected with SMPD1-related conditions. This variant is not present in population databases (gnomAD no frequency). This variant, c.108_109insGCGCTGGCGCTGGCGCTGGCG, results in the insertion of 7 amino acid(s) of the SMPD1 protein (p.Val36_Leu37insAlaLeuAlaLeuAlaLeuAla), but otherwise preserves the integrity of the reading frame.

Natera, Inc.
Classification: Uncertain significance for Niemann-Pick Disease, Types A/B. Last evaluated: 2017-08-09. Review status: no assertion criteria provided. Collection method: clinical testing. Allele origin: germline. Not counted in ClinVar's aggregate classification.